The following is an entry in ClinVar:

ClinVar aggregate classification (germline): Uncertain significance (1 of 4 stars; one submission).

Conditions:
Severe combined immunodeficiency due to DNA-PKcs deficiency. Also called: IMMUNODEFICIENCY 26 WITH NEUROLOGIC ABNORMALITIES; Immunodeficiency 26 with or without neurologic abnormalities. Identifiers: Orphanet 317425, MedGen C4014833, MONDO:0014423, OMIM 615966.

Submission:

Labcorp Genetics (formerly Invitae), Labcorp
Classification: Uncertain significance for Severe combined immunodeficiency due to DNA-PKcs deficiency. Last evaluated: 2018-12-09. Review status: criteria provided, single submitter. Criteria: Invitae Variant Classification Sherloc (09022015). Collection method: clinical testing. Allele origin: germline.
Comment: This sequence change replaces histidine with proline at codon 2077 of the PRKDC protein (p.His2077Pro). The histidine residue is weakly conserved and there is a moderate physicochemical difference between histidine and proline. This variant is not present in population databases (ExAC no frequency). This variant has not been reported in the literature in individuals with PRKDC-related conditions. Algorithms developed to predict the effect of missense changes on protein structure and function output the following: SIFT: "Tolerated"; PolyPhen-2: "Benign"; Align-GVGD: "Class C0". The proline amino acid residue is found in multiple mammalian species, suggesting that this missense change does not adversely affect protein function. These predictions have not been confirmed by published functional studies and their clinical significance is uncertain. In summary, the available evidence is currently insufficient to determine the role of this variant in disease. Therefore, it has been classified as a Variant of Uncertain Significance.

NM_006904.7(PRKDC):c.6230A>C (p.His2077Pro)

Gene: PRKDC (protein kinase, DNA-activated, catalytic subunit; minus strand). Cytogenetic location: 8q11.21.
Variant type: single nucleotide variant.
Coding change: c.6230A>C on transcript NM_006904.7 (MANE Select); coding-DNA position 6230, A replaced by C.
Protein change: p.His2077Pro; replaces histidine 2077 with proline.
Molecular consequence: missense variant.
Genome position (GRCh38, 1-based): chr8:47,858,964, T>G on the plus strand (A>C on the coding strand, the complement: PRKDC is on the minus strand). VCF-style: chr8-47858964-T-G. GRCh37 (hg19) VCF-style: chr8-48771525-T-G.
Other names: c.6230A>C, p.His2077Pro (NM_001081640.2); short protein forms H2077P.
Identifiers: ClinVar variation 665713 (VCV000665713.7), dbSNP rs775809811, ClinGen allele CA371161057.